The following is an entry in ClinVar:

NM_018082.6(POLR3B):c.1457A>C (p.Glu486Ala)

Gene: POLR3B (RNA polymerase III subunit B; plus strand). Cytogenetic location: 12q23.3.
Variant type: single nucleotide variant.
Coding change: c.1457A>C on transcript NM_018082.6 (MANE Select); coding-DNA position 1457, A replaced by C.
Protein change: p.Glu486Ala; replaces glutamic acid 486 with alanine.
Molecular consequence: missense variant.
Genome position (GRCh38, 1-based): chr12:106,430,466, A>C. VCF-style: chr12-106430466-A-C. GRCh37 (hg19) VCF-style: chr12-106824244-A-C.
Other names: c.1283A>C, p.Glu428Ala (NM_001160708.2); short protein forms E428A, E486A.
Identifiers: ClinVar variation 3367544 (VCV003367544.1).

ClinVar aggregate classification (germline): Uncertain significance (1 of 4 stars; one submission).

Submission:

GeneDx
Classification: Uncertain significance. Last evaluated: 2024-01-03. Review status: criteria provided, single submitter. Criteria: GeneDx Variant Classification Process June 2021. Collection method: clinical testing. Allele origin: germline. Affected: yes.
Comment: Not observed at significant frequency in large population cohorts (gnomAD); In silico analysis supports that this missense variant has a deleterious effect on protein structure/function; Has not been previously published as pathogenic or benign to our knowledge